The following is an entry in ClinVar:

ClinVar aggregate classification (germline): Uncertain significance (1 of 4 stars; one submission).

Submission:

Women's Health and Genetics/Laboratory Corporation of America, LabCorp
Classification: Uncertain significance. Last evaluated: 2026-01-27. Review status: criteria provided, single submitter. Criteria: LabCorp Variant Classification Summary - May 2015. Collection method: clinical testing. Allele origin: germline.
Comment: Variant summary: AFF2 c.2629A>G (p.Ile877Val) results in a conservative amino acid change in the encoded protein sequence. Algorithms developed to predict the effect of missense changes on protein structure and function all suggest that this variant is likely to be tolerated. The variant was absent in 183186 control chromosomes. The available data on variant occurrences in the general population are insufficient to allow any conclusion about variant significance. To our knowledge, no occurrence of c.2629A>G in individuals affected with AFF2-related conditions and no experimental evidence demonstrating its impact on protein function have been reported. No submitters have cited clinical-significance assessments for this variant to ClinVar. Based on the evidence outlined above, the variant was classified as uncertain significance.

NM_002025.4(AFF2):c.2629A>G (p.Ile877Val)

Gene: AFF2 (ALF transcription elongation factor 2; plus strand). Cytogenetic location: Xq28.
Variant type: single nucleotide variant.
Coding change: c.2629A>G on transcript NM_002025.4 (MANE Select); coding-DNA position 2629, A replaced by G.
Protein change: p.Ile877Val; replaces isoleucine 877 with valine.
Molecular consequence: missense variant.
Genome position (GRCh38, 1-based): chrX:148,958,397, A>G. VCF-style: chrX-148958397-A-G. GRCh37 (hg19) VCF-style: chrX-148039927-A-G.
Other names: c.2530A>G, p.Ile844Val (NM_001169122.2); c.2599A>G, p.Ile867Val (NM_001169123.2); c.2524A>G, p.Ile842Val (NM_001169124.2); c.2512A>G, p.Ile838Val (NM_001169125.2); c.1552A>G, p.Ile518Val (NM_001170628.1); short protein forms I518V, I838V, I842V, I844V, I867V, I877V.
Identifiers: ClinVar variation 4689370 (VCV004689370.1).